The following is an entry in ClinVar:

ClinVar aggregate classification (germline): Uncertain significance (1 of 4 stars; one submission).

Conditions:
Hypertrophic cardiomyopathy 19. Also called: Familial hypertrophic cardiomyopathy 19. Identifiers: MedGen CN077603, MONDO:0013476.

Allele frequency attached by ClinVar (database versions not stated): gnomAD 0.00001; ExAC 0.00002; gnomAD exomes 0.00002; TOPMed 0.00002.
gnomAD v4.1: 18 of 1,606,788 alleles (0.0011%); highest among the groups gnomAD compares: East Asian, 0.009%; no homozygotes.

Submission:

Labcorp Genetics (formerly Invitae), Labcorp
Classification: Uncertain significance for Hypertrophic cardiomyopathy 19. Last evaluated: 2025-02-11. Review status: criteria provided, single submitter. Criteria: Invitae Variant Classification Sherloc (09022015). Collection method: clinical testing. Allele origin: germline.
Comment: This sequence change replaces isoleucine, which is neutral and non-polar, with valine, which is neutral and non-polar, at codon 11 of the CALR3 protein (p.Ile11Val). This variant is present in population databases (rs755784741, gnomAD 0.03%). This missense change has been observed in individual(s) with hypertrophic cardiomyopathy (PMID: 29988065). ClinVar contains an entry for this variant (Variation ID: 1046936). Invitae Evidence Modeling of protein sequence and biophysical properties (such as structural, functional, and spatial information, amino acid conservation, physicochemical variation, residue mobility, and thermodynamic stability) indicates that this missense variant is not expected to disrupt CALR3 protein function with a negative predictive value of 80%. In summary, the available evidence is currently insufficient to determine the role of this variant in disease. Therefore, it has been classified as a Variant of Uncertain Significance.

Literature cited by the submitters: PubMed 29988065.

NM_145046.5(CALR3):c.31A>G (p.Ile11Val)

Gene: CALR3 (calreticulin 3; minus strand). Cytogenetic location: 19p13.11.
Variant type: single nucleotide variant.
Coding change: c.31A>G on transcript NM_145046.5 (MANE Select); coding-DNA position 31, A replaced by G.
Protein change: p.Ile11Val; replaces isoleucine 11 with valine.
Molecular consequence: missense variant.
Genome position (GRCh38, 1-based): chr19:16,496,099, T>C on the plus strand (A>G on the coding strand, the complement: CALR3 is on the minus strand). VCF-style: chr19-16496099-T-C. GRCh37 (hg19) VCF-style: chr19-16606910-T-C.
Other names: short protein forms I11V.
Identifiers: ClinVar variation 1046936 (VCV001046936.9), dbSNP rs755784741, ClinGen allele CA9278541.